The following is an entry in ClinVar:

NM_024678.6(NARS2):c.-32C>T

Gene: NARS2 (asparaginyl-tRNA synthetase 2, mitochondrial; minus strand). Cytogenetic location: 11q14.1.
Variant type: single nucleotide variant.
Coding change: c.-32C>T on transcript NM_024678.6 (MANE Select); 32 bases upstream of the start codon, C replaced by T.
Molecular consequence: 5 prime UTR variant. On other transcripts: intron variant (1).
Genome position (GRCh38, 1-based): chr11:78,574,520, G>A on the plus strand (C>T on the coding strand, the complement: NARS2 is on the minus strand). VCF-style: chr11-78574520-G-A. GRCh37 (hg19) VCF-style: chr11-78285565-G-A.
Other names: c.-541+309C>T (NM_001243251.2).
Identifiers: ClinVar variation 383635 (VCV000383635.1), dbSNP rs770309509, ClinGen allele CA6206019.
Genomic context (GRCh38, chr11:78,574,520, plus strand): 5'-GACCGCAGCAGGCAGCGGACCCCCAGCATCCCGCGTCCGCCCAGGCCCTCCGCGGGAGCA[G>A]CCCAGACCCCACGGTTCGAACCCCGCCTGCAGCGGCCCTCCTTTCTCAGCTGCTCCCCTT-3'

ClinVar aggregate classification (germline): Likely benign (1 of 4 stars; one submission).

Allele frequency attached by ClinVar (database versions not stated): ExAC 0.00002; gnomAD exomes 0.00001.
gnomAD v4.1: 10 of 1,574,958 alleles (0.00063%); highest among the groups gnomAD compares: East Asian, 0.014%; no homozygotes.

Submission:

GeneDx
Classification: Likely benign. Last evaluated: 2016-03-04. Review status: criteria provided, single submitter. Criteria: GeneDx Variant Classification (06012015). Collection method: clinical testing. Allele origin: germline. Affected: yes.
Comment: This variant is considered likely benign or benign based on one or more of the following criteria: it is a conservative change, it occurs at a poorly conserved position in the protein, it is predicted to be benign by multiple in silico algorithms, and/or has population frequency not consistent with disease.